The following is an entry in ClinVar:

NM_170606.3(KMT2C):c.12501T>G (p.Asn4167Lys)

Gene: KMT2C (lysine methyltransferase 2C; minus strand). Cytogenetic location: 7q36.1.
Variant type: single nucleotide variant.
Coding change: c.12501T>G on transcript NM_170606.3 (MANE Select); coding-DNA position 12501, T replaced by G.
Protein change: p.Asn4167Lys; replaces asparagine 4167 with lysine.
Molecular consequence: missense variant.
Genome position (GRCh38, 1-based): chr7:152,152,730, A>C on the plus strand (T>G on the coding strand, the complement: KMT2C is on the minus strand). VCF-style: chr7-152152730-A-C. GRCh37 (hg19) VCF-style: chr7-151849815-A-C.
Other names: short protein forms N4167K.
Identifiers: ClinVar variation 2579458 (VCV002579458.2), dbSNP rs151266980, ClinGen allele CA370094754.

ClinVar aggregate classification (germline): Uncertain significance (1 of 4 stars; one submission).

Submission:

GeneDx
Classification: Uncertain significance. Last evaluated: 2026-01-12. Review status: criteria provided, single submitter. Criteria: GeneDx Variant Classification Process June 2021. Collection method: clinical testing. Allele origin: germline. Affected: yes.
Comment: Not observed at significant frequency in large population cohorts (gnomAD); In silico analysis supports that this missense variant has a deleterious effect on protein structure/function; In silico analysis supports a deleterious effect on splicing; Has not been previously published as pathogenic or benign to our knowledge